The following is an entry in ClinVar:

ClinVar aggregate classification (germline): Uncertain significance (1 of 4 stars; one submission).

Conditions:
Inborn genetic diseases. Identifiers: MedGen C0950123, MeSH D030342.

Submission:

Ambry Genetics
Classification: Uncertain significance for Inborn genetic diseases. Last evaluated: 2026-07-02. Review status: criteria provided, single submitter. Criteria: Ambry Variant Classification Scheme 2023. Collection method: clinical testing. Allele origin: germline.
Comment: The p.G100C variant (also known as c.298G>T), located in coding exon 1 of the CEBPA gene, results from a G to T substitution at nucleotide position 298. The glycine at codon 100 is replaced by cysteine, an amino acid with highly dissimilar properties. This amino acid position is conserved. In addition, this alteration is predicted to be tolerated by in silico analysis. Based on the available evidence, the clinical significance of this variant remains unclear.

NM_004364.5(CEBPA):c.298G>T (p.Gly100Cys)

Gene: CEBPA (CCAAT enhancer binding protein alpha; minus strand). Cytogenetic location: 19q13.11.
Variant type: single nucleotide variant.
Coding change: c.298G>T on transcript NM_004364.5 (MANE Select); coding-DNA position 298, G replaced by T.
Protein change: p.Gly100Cys; replaces glycine 100 with cysteine.
Molecular consequence: missense variant. On other transcripts: 5 prime UTR variant (1).
Genome position (GRCh38, 1-based): chr19:33,302,117, C>A on the plus strand (G>T on the coding strand, the complement: CEBPA is on the minus strand). VCF-style: chr19-33302117-C-A. GRCh37 (hg19) VCF-style: chr19-33793023-C-A.
Other names: c.-60G>T (NM_001285829.2); c.403G>T, p.Gly135Cys (NM_001287424.2); c.256G>T, p.Gly86Cys (NM_001287435.2); short protein forms G86C, G100C, G135C.
Identifiers: ClinVar variation 5034270 (VCV005034270.1).
Genomic context (GRCh38, chr19:33,302,117, plus strand): 5'-TGACGGCGCCGCCGGGGCCCGCGGGCGCGCCCGGGTAGTCAAAGTCGCCGCCGCCGCCGC[C>A]GCCCGTGGGGCCCACGGCCGCCTTGGCCTTCTCCTGCTGCCGGCTGTGCTGGAACAGGTC-3'
Protein context (NP_004355.2, residues 90-110): KAKAAVGPTG[Gly100Cys]GGGGDFDYPG